The following is an entry in ClinVar:

NM_007294.4(BRCA1):c.5368dup (p.Ser1790fs)

Gene: BRCA1 (BRCA1 DNA repair associated; minus strand). Cytogenetic location: 17q21.31.
Variant type: Duplication.
Coding change: c.5368dup on transcript NM_007294.4 (MANE Select); coding-DNA position 5368, one base duplicated (T; older notation c.5368dupT).
Protein change: p.Ser1790fs; shifts the reading frame from serine 1790.
Molecular consequence: frameshift variant. On other transcripts: intron variant (19).
Genome position (GRCh38, 1-based): chr17:43,049,159, A duplicated on the plus strand (T on the coding strand, the reverse complement: BRCA1 is on the minus strand); the first of 2 consecutive A bases (chr17:43,049,159-43,049,160); duplicating either gives the same sequence. VCF-style (leftmost placement, unchanged base first): chr17-43049158-G-GA. GRCh37 (hg19) VCF-style: chr17-41201175-G-GA.
Other names: c.5221dup, p.Ser1741fs (NM_001407842.1, NM_001407843.1, NM_001407844.1 and 12 more transcripts); c.5167dup, p.Ser1723fs (NM_001407862.1); c.5164dup, p.Ser1722fs (NM_001407863.1); c.2056dup, p.Ser686fs (NM_001407985.1, NM_001407986.1, NM_001407990.1 and 10 more transcripts); c.2053dup, p.Ser685fs (NM_001408392.1, NM_001408396.1, NM_001408397.1 and 7 more transcripts); c.2050dup, p.Ser684fs (NM_001408406.1, NM_001408407.1, NM_001408408.1); c.2047dup, p.Ser683fs (NM_001408409.1); c.1984dup, p.Ser662fs (NM_001408410.1); and 84 more; short protein forms S1493fs, S1661fs, S1677fs, S1678fs, S1719fs, S1741fs, S1743fs, S1786fs.
Identifiers: ClinVar variation 3726829 (VCV003726829.2).

ClinVar aggregate classification (germline): Pathogenic (1 of 4 stars; one submission).

Conditions:
Hereditary breast ovarian cancer syndrome. Also called: Hereditary breast and ovarian cancer syndrome; Hereditary breast and/or ovarian cancer syndrome; Hereditary breast and ovarian cancer; Hereditary breast and ovarian cancer syndrome (HBOC); Breast and ovarian cancer; BRCA1- and BRCA2-Associated Hereditary Breast and Ovarian Cancer. Identifiers: Orphanet 145, MedGen C0677776, MeSH D061325, MONDO:0003582. Disease mechanism: loss of function.

Submission:

Labcorp Genetics (formerly Invitae), Labcorp
Classification: Pathogenic for Hereditary breast ovarian cancer syndrome. Last evaluated: 2024-12-08. Review status: criteria provided, single submitter. Criteria: Invitae Variant Classification Sherloc (09022015). Collection method: clinical testing. Allele origin: germline.
Comment: This sequence change creates a premature translational stop signal (p.Ser1790Phefs*40) in the BRCA1 gene. It is expected to result in an absent or disrupted protein product. Loss-of-function variants in BRCA1 are known to be pathogenic (PMID: 20104584). This variant is not present in population databases (gnomAD no frequency). This variant has not been reported in the literature in individuals affected with BRCA1-related conditions. For these reasons, this variant has been classified as Pathogenic.

Literature cited by the submitters: PubMed 20104584.